The following is an entry in ClinVar:

ClinVar aggregate classification (germline): Conflicting classifications of pathogenicity. Review status: criteria provided, conflicting classifications (1 of 4 stars). 2 submissions from 2 submitters: Likely pathogenic (1); Uncertain significance (1). Last evaluated 2025-12-29.

gnomAD v4.1: 16 of 1,613,022 alleles (0.00099%); highest among the groups gnomAD compares: African/African-American, 0.0027%; no homozygotes.

Submissions (2):

Center for Genomic Medicine, Rigshospitalet, Copenhagen University Hospital
Classification: Likely pathogenic. Last evaluated: 2025-12-29. Review status: criteria provided, single submitter. Criteria: ACMG Guidelines, 2015. Collection method: clinical testing. Allele origin: germline.
Comment: Classification criteria: PS4_moderate, PM1, PM2_supporting, PP3, PP4

GeneDx
Classification: Uncertain significance. Last evaluated: 2024-02-24. Review status: criteria provided, single submitter. Criteria: GeneDx Variant Classification Process June 2021. Collection method: clinical testing. Allele origin: germline. Affected: yes.
Comment: Reported in the published literature in a patient with factor VII deficiency who also harbors an additional missense variant in the F7 gene (PMID: 10862079); In silico analysis supports that this missense variant does not alter protein structure/function; Not observed at significant frequency in large population cohorts (gnomAD); This variant is associated with the following publications: (PMID: 10862079)

NM_019616.4(F7):c.394G>A (p.Glu132Lys)

Gene: F7 (coagulation factor VII; plus strand). Cytogenetic location: 13q34.
Variant type: single nucleotide variant.
Coding change: c.394G>A on transcript NM_019616.4 (MANE Select); coding-DNA position 394, G replaced by A.
Protein change: p.Glu132Lys; replaces glutamic acid 132 with lysine.
Molecular consequence: missense variant. On other transcripts: non-coding transcript variant (1).
Genome position (GRCh38, 1-based): chr13:113,115,689, G>A. VCF-style: chr13-113115689-G-A. GRCh37 (hg19) VCF-style: chr13-113770003-G-A.
Other names: c.460G>A, p.Glu154Lys (NM_000131.5); c.208G>A, p.Glu70Lys (NM_001267554.2); short protein forms E132K, E154K, E70K.
Identifiers: ClinVar variation 3340423 (VCV003340423.2).